The following is an entry in ClinVar:

NM_001267550.2(TTN):c.69585C>T (p.Ser23195=)

Genes: TTN (titin; minus strand), TTN-AS1 (TTN antisense RNA 1; plus strand), LOC126806422 (BRD4-independent group 4 enhancer GRCh37_chr2:179440205-179441404; plus strand). Cytogenetic location: 2q31.2.
Variant type: single nucleotide variant.
Coding change: c.69585C>T on transcript NM_001267550.2 (MANE Select); coding-DNA position 69585, C replaced by T.
Protein change: p.Ser23195=; no amino-acid change (serine 23195 retained).
Molecular consequence: synonymous variant.
Genome position (GRCh38, 1-based): chr2:178,576,659, G>A on the plus strand (C>T on the coding strand, the complement: TTN is on the minus strand). VCF-style: chr2-178576659-G-A. GRCh37 (hg19) VCF-style: chr2-179441386-G-A.
Other names: p.S20627S:TCC>TCT; p.Ser20627=; c.64662C>T, p.Ser21554= (NM_001256850.1); c.61881C>T, p.Ser20627= (NM_133378.4); c.42390C>T, p.Ser14130= (NM_003319.4); c.42765C>T, p.Ser14255= (NM_133432.3); c.42966C>T, p.Ser14322= (NM_133437.4); c.69585C>T (NM_001267550.1).
Identifiers: ClinVar variation 47274 (VCV000047274.63), dbSNP rs67041405, ClinGen allele CA283672.

ClinVar aggregate classification (germline): Benign/Likely benign. Review status: criteria provided, multiple submitters, no conflicts (2 of 4 stars). 28 submissions from 21 submitters: Benign (17); Likely benign (5). 6 of the submissions do not count toward it. Last evaluated 2026-09-01.

Conditions:
TTN-related disorder. Also called: TTN-related disorders; TTN-related condition; TTN-related disease.
Cardiovascular phenotype. Identifiers: MedGen CN230736.
Autosomal recessive limb-girdle muscular dystrophy type 2J (LGMDR10). Also called: MUSCULAR DYSTROPHY, LIMB-GIRDLE, AUTOSOMAL RECESSIVE 10; Limb-girdle muscular dystrophy, type 2J. Identifiers: Orphanet 140922, MedGen C1837342, MONDO:0012127, OMIM 608807.
Dilated cardiomyopathy 1G (CMD1G). Identifiers: Orphanet 154, MedGen C1858763, MONDO:0011400, OMIM 604145.
Cardiomyopathy (CMYO). Also called: Cardiomyopathies. Identifiers: Orphanet 167848, MedGen C0878544, MONDO:0004994, HP:0001638. Inheritance: Various modes of inheritance.
Myopathy, myofibrillar, 9, with early respiratory failure (MFM9). Also called: Myopathy, distal, with early respiratory failure, autosomal dominant; Hereditary myopathy with early respiratory failure; EDSTROM MYOPATHY; MYOPATHY, PROXIMAL, WITH EARLY RESPIRATORY MUSCLE INVOLVEMENT. Identifiers: Orphanet 178464, Orphanet 34521, MedGen C1863599, MONDO:0011362, OMIM 603689.
Early-onset myopathy with fatal cardiomyopathy (CMYO5). Also called: CONGENITAL MYOPATHY 5 WITH CARDIOMYOPATHY; Salih Myopathy. Identifiers: Orphanet 289377, MedGen C2673677, MONDO:0012714, OMIM 611705. Disease mechanism: loss of function.
Tibial muscular dystrophy (TMD). Also called: Tibial muscular dystrophy, tardive; Udd Distal Myopathy – Tibial Muscular Dystrophy; UDD MYOPATHY. Identifiers: Orphanet 609, MedGen C1838244, MONDO:0010870, OMIM 600334.

Allele frequency attached by ClinVar (database versions not stated): 1000 Genomes Project 30x 0.00312; TOPMed 0.00786; gnomAD exomes 0.01179 and 0.01348; 1000 Genomes Project 0.00300; ESP Exome Variant Server 0.00956; gnomAD 0.01136 and 0.01183; ExAC 0.01208.
gnomAD v4.1: 21,275 of 1,613,488 alleles (1.3%); highest among the groups gnomAD compares: Non-Finnish European, 1.5%; 222 homozygotes.

Submissions (28):

CeGaT Center for Human Genetics Tuebingen
Classification: Benign. Last evaluated: 2026-09-01. Review status: criteria provided, single submitter. Criteria: CeGaT Center For Human Genetics Tuebingen Variant Classification Criteria Version 2. Collection method: clinical testing. Allele origin: germline. Affected: yes. Observed: 69 variant alleles.
Comment: TTN: BP4, BP7, BS1, BS2

Labcorp Genetics (formerly Invitae), Labcorp
Classification: Benign for Dilated cardiomyopathy 1G; Autosomal recessive limb-girdle muscular dystrophy type 2J. Last evaluated: 2026-02-03. Review status: criteria provided, single submitter. Criteria: Invitae Variant Classification Sherloc (09022015). Collection method: clinical testing. Allele origin: germline.

ARUP Laboratories, Molecular Genetics and Genomics, ARUP Laboratories
Classification: Benign. Last evaluated: 2025-04-16. Review status: criteria provided, single submitter. Criteria: ARUP Molecular Germline Variant Investigation Process 2024. Collection method: clinical testing. Allele origin: germline.

Molecular Diagnostic Laboratory for Inherited Cardiovascular Disease, Montreal Heart Institute
Classification: Benign. Last evaluated: 2025-04-09. Review status: criteria provided, single submitter. Criteria: ACMG Guidelines, 2015. Collection method: clinical testing. Allele origin: germline. Affected: no.

Blueprint Genetics
Classification: Likely benign. Last evaluated: 2024-11-26. Review status: criteria provided, single submitter. Criteria: ACMG Guidelines, 2015. Collection method: clinical testing. Allele origin: germline.

Athena Diagnostics
Classification: Benign. Last evaluated: 2023-11-08. Review status: criteria provided, single submitter. Criteria: Athena Diagnostics Criteria. Collection method: clinical testing. Allele origin: unknown.

Genome-Nilou Lab
Classification: Benign for Autosomal recessive limb-girdle muscular dystrophy type 2J. Last evaluated: 2021-09-10. Review status: criteria provided, single submitter. Criteria: ACMG Guidelines, 2015. Collection method: clinical testing. Allele origin: germline. Affected: no.

Genome-Nilou Lab
Classification: Benign for Myopathy, myofibrillar, 9, with early respiratory failure. Last evaluated: 2021-09-10. Review status: criteria provided, single submitter. Criteria: ACMG Guidelines, 2015. Collection method: clinical testing. Allele origin: germline. Affected: no.

Genome-Nilou Lab
Classification: Benign for Early-onset myopathy with fatal cardiomyopathy. Last evaluated: 2021-09-10. Review status: criteria provided, single submitter. Criteria: ACMG Guidelines, 2015. Collection method: clinical testing. Allele origin: germline. Affected: no.

Genome-Nilou Lab
Classification: Benign for Tibial muscular dystrophy. Last evaluated: 2021-09-10. Review status: criteria provided, single submitter. Criteria: ACMG Guidelines, 2015. Collection method: clinical testing. Allele origin: germline. Affected: no.

Women's Health and Genetics/Laboratory Corporation of America, LabCorp
Classification: Benign. Last evaluated: 2020-04-04. Review status: criteria provided, single submitter. Criteria: LabCorp Variant Classification Summary - May 2015. Collection method: clinical testing. Allele origin: germline.

Ambry Genetics
Classification: Benign for Cardiovascular phenotype. Last evaluated: 2019-02-07. Review status: criteria provided, single submitter. Criteria: Ambry Autosomal Dominant and X-Linked criteria (3/2017). Collection method: clinical testing. Allele origin: germline. Observed: 1 variant allele.
Comment: General population or subpopulation frequency is too high to be a pathogenic mutation based on disease/syndrome prevalence and penetrance

Mayo Clinic Laboratories, Mayo Clinic
Classification: Benign. Last evaluated: 2018-05-30. Review status: criteria provided, single submitter. Criteria: ACMG Guidelines, 2015. Collection method: clinical testing. Allele origin: germline. Observed: 59 variant alleles.

Illumina Laboratory Services, Illumina
Classification: Benign for Tibial muscular dystrophy. Last evaluated: 2018-01-13. Review status: criteria provided, single submitter. Criteria: ICSL Variant Classification Criteria 13 December 2019. Collection method: clinical testing. Allele origin: germline.
Comment: This variant was observed in the ICSL laboratory as part of a predisposition screen in an ostensibly healthy population. It had not been previously curated by ICSL or reported in the Human Gene Mutation Database (HGMD: prior to June 1st, 2018), and was therefore a candidate for classification through an automated scoring system. Utilizing variant allele frequency, disease prevalence and penetrance estimates, and inheritance mode, an automated score was calculated to assess if this variant is too frequent to cause the disease. Based on the score and internal cut-off values, a variant classified as benign is not then subjected to further curation. The score for this variant resulted in a classification of benign for this disease.

Illumina Laboratory Services, Illumina
Classification: Likely benign for Autosomal recessive limb-girdle muscular dystrophy type 2J. Last evaluated: 2018-01-13. Review status: criteria provided, single submitter. Criteria: ICSL Variant Classification Criteria 13 December 2019. Collection method: clinical testing. Allele origin: germline.
Comment: This variant was observed in the ICSL laboratory as part of a predisposition screen in an ostensibly healthy population. It had not been previously curated by ICSL or reported in the Human Gene Mutation Database (HGMD: prior to June 1st, 2018), and was therefore a candidate for classification through an automated scoring system. Utilizing variant allele frequency, disease prevalence and penetrance estimates, and inheritance mode, an automated score was calculated to assess if this variant is too frequent to cause the disease. Based on the score and internal cut-off values, a variant classified as likely benign is not then subjected to further curation. The score for this variant resulted in a classification of likely benign for this disease.

Illumina Laboratory Services, Illumina
Classification: Benign for Myopathy, myofibrillar, 9, with early respiratory failure. Last evaluated: 2018-01-13. Review status: criteria provided, single submitter. Criteria: ICSL Variant Classification Criteria 13 December 2019. Collection method: clinical testing. Allele origin: germline.
Comment: the same text as in the submission from Illumina Laboratory Services, Illumina above.

Illumina Laboratory Services, Illumina
Classification: Likely benign for Early-onset myopathy with fatal cardiomyopathy. Last evaluated: 2018-01-13. Review status: criteria provided, single submitter. Criteria: ICSL Variant Classification Criteria 13 December 2019. Collection method: clinical testing. Allele origin: germline.
Comment: the same text as in the submission from Illumina Laboratory Services, Illumina above.

Illumina Laboratory Services, Illumina
Classification: Likely benign for Dilated cardiomyopathy 1G. Last evaluated: 2018-01-13. Review status: criteria provided, single submitter. Criteria: ICSL Variant Classification Criteria 13 December 2019. Collection method: clinical testing. Allele origin: germline.
Comment: the same text as in the submission from Illumina Laboratory Services, Illumina above.

CHEO Genetics Diagnostic Laboratory, Children's Hospital of Eastern Ontario
Classification: Benign for Cardiomyopathy. Last evaluated: 2015-12-16. Review status: criteria provided, single submitter. Criteria: ACMG Guidelines, 2015. Collection method: clinical testing. Allele origin: germline. Study: Canadian Open Genetics Repository.

GeneDx
Classification: Benign. Last evaluated: 2012-10-12. Review status: criteria provided, single submitter. Criteria: GeneDx Variant Classification (06012015). Collection method: clinical testing. Allele origin: germline. Affected: yes.
Comment: This variant is considered likely benign or benign based on one or more of the following criteria: it is a conservative change, it occurs at a poorly conserved position in the protein, it is predicted to be benign by multiple in silico algorithms, and/or has population frequency not consistent with disease.

Laboratory for Molecular Medicine, Mass General Brigham Personalized Medicine
Classification: Benign. Last evaluated: 2012-04-10. Review status: criteria provided, single submitter. Criteria: LMM Criteria. Collection method: clinical testing. Allele origin: germline. Observed: 38 variant alleles.

Breakthrough Genomics
Classification: Likely benign. Review status: criteria provided, single submitter. Criteria: ACMG Guidelines, 2015. Collection method: not provided. Allele origin: germline. Inheritance: Autosomal recessive inheritance. Affected: yes.

PreventionGenetics, part of Exact Sciences
Classification: Benign for TTN-related condition. Last evaluated: 2019-04-15. Review status: no assertion criteria provided. Collection method: clinical testing. Allele origin: germline. Not counted in ClinVar's aggregate classification.
Comment: This variant is classified as benign based on ACMG/AMP sequence variant interpretation guidelines (Richards et al. 2015 PMID: 25741868, with internal and published modifications).

Clinical Genetics DNA and cytogenetics Diagnostics Lab, Erasmus MC, Erasmus Medical Center
Classification: Benign. Review status: no assertion criteria provided. Collection method: clinical testing. Allele origin: germline. Affected: yes. Study: VKGL Data-share Consensus. Not counted in ClinVar's aggregate classification.

Clinical Genetics, Academic Medical Center
Classification: Benign. Review status: no assertion criteria provided. Collection method: clinical testing. Allele origin: germline. Affected: yes. Study: VKGL Data-share Consensus. Not counted in ClinVar's aggregate classification.

Diagnostic Laboratory, Department of Genetics, University Medical Center Groningen
Classification: Likely benign. Review status: no assertion criteria provided. Collection method: clinical testing. Allele origin: germline. Affected: yes. Study: VKGL Data-share Consensus. Not counted in ClinVar's aggregate classification.

Joint Genome Diagnostic Labs from Nijmegen and Maastricht, Radboudumc and MUMC+
Classification: Benign. Review status: no assertion criteria provided. Collection method: clinical testing. Allele origin: germline. Affected: yes. Study: VKGL Data-share Consensus. Not counted in ClinVar's aggregate classification.

Laboratory of Diagnostic Genome Analysis, Leiden University Medical Center (LUMC)
Classification: Benign. Review status: no assertion criteria provided. Collection method: clinical testing. Allele origin: germline. Affected: yes. Study: VKGL Data-share Consensus. Not counted in ClinVar's aggregate classification.

Literature cited by the submitters: PubMed 37301943 (cited by Athena Diagnostics).